The following is an entry in ClinVar:

NM_000642.3(AGL):c.3283A>G (p.Ile1095Val)

Gene: AGL (amylo-alpha-1,6-glucosidase and 4-alpha-glucanotransferase; plus strand). Cytogenetic location: 1p21.2.
Variant type: single nucleotide variant.
Coding change: c.3283A>G on transcript NM_000642.3 (MANE Select); coding-DNA position 3283, A replaced by G.
Protein change: p.Ile1095Val; replaces isoleucine 1095 with valine.
Molecular consequence: missense variant.
Genome position (GRCh38, 1-based): chr1:99,896,309, A>G. VCF-style: chr1-99896309-A-G. GRCh37 (hg19) VCF-style: chr1-100361865-A-G.
Other names: c.3283A>G, p.Ile1095Val (NM_000028.3, NM_000643.3, NM_000644.3 and 1 more transcripts); c.3235A>G, p.Ile1079Val (NM_000646.3); c.3262A>G, p.Ile1088Val (NM_001425326.1); c.3082A>G, p.Ile1028Val (NM_001425327.1); c.3079A>G, p.Ile1027Val (NM_001425328.1); c.2944A>G, p.Ile982Val (NM_001425329.1); c.2905A>G, p.Ile969Val (NM_001425332.1); short protein forms I1095V, I1079V, I1027V, I1028V, I1088V, I969V, I982V.
Identifiers: ClinVar variation 951978 (VCV000951978.7), dbSNP rs762157090, ClinGen allele CA341328434.
Genomic context (GRCh38, chr1:99,896,309, plus strand): 5'-TGATTAACATATTACTTTGTTGTGTTTTTTTTGTTAGGCTTACCTCATTTTTCTTCTGGT[A>G]TTTTCCGCTGCTGGGGAAGGGATACTTTTATTGCACTTAGAGGTATACTGCTGATTACTG-3'
Protein context (NP_000633.2, residues 1085-1105): AAGLPHFSSG[Ile1095Val]FRCWGRDTFI

ClinVar aggregate classification (germline): Uncertain significance (1 of 4 stars; one submission).

Conditions:
Glycogen storage disease type III (GSD3). Also called: Cori disease; FORBES DISEASE. Identifiers: Orphanet 366, MedGen C0017922, MONDO:0009291, OMIM 232400.

Allele frequency attached by ClinVar (database versions not stated): TOPMed 0.00001.
gnomAD v4.1: 1 of 1,613,772 alleles (0.000062%); highest among the groups gnomAD compares: Non-Finnish European, 0.000085%; no homozygotes.

Submission:

Labcorp Genetics (formerly Invitae), Labcorp
Classification: Uncertain significance for Glycogen storage disease type III. Last evaluated: 2021-08-26. Review status: criteria provided, single submitter. Criteria: Invitae Variant Classification Sherloc (09022015). Collection method: clinical testing. Allele origin: germline.
Comment: This sequence change replaces isoleucine with valine at codon 1095 of the AGL protein (p.Ile1095Val). The isoleucine residue is weakly conserved and there is a small physicochemical difference between isoleucine and valine. This variant is not present in population databases (ExAC no frequency). This variant has not been reported in the literature in individuals affected with AGL-related conditions. Algorithms developed to predict the effect of missense changes on protein structure and function (SIFT, PolyPhen-2, Align-GVGD) all suggest that this variant is likely to be tolerated. In summary, the available evidence is currently insufficient to determine the role of this variant in disease. Therefore, it has been classified as a Variant of Uncertain Significance.